The following is an entry in ClinVar:

ClinVar aggregate classification (germline): Pathogenic (1 of 4 stars; one submission).

Conditions:
X-linked lymphoproliferative disease due to XIAP deficiency. Also called: XIAP-Related Lymphoproliferative Disease, X-Linked; XIAP DEFICIENCY. Identifiers: Orphanet 2442, Orphanet 538934, MedGen C1845076, MONDO:0010385, OMIM 300635.

Submission:

Labcorp Genetics (formerly Invitae), Labcorp
Classification: Pathogenic for Lymphoproliferative syndrome 2, X-linked. Last evaluated: 2019-10-03. Review status: criteria provided, single submitter. Criteria: Invitae Variant Classification Sherloc (09022015). Collection method: clinical testing. Allele origin: germline.
Comment: This sequence change creates a premature translational stop signal (p.Gly76Argfs*24) in the XIAP gene. It is expected to result in an absent or disrupted protein product. This variant is not present in population databases (ExAC no frequency). This variant has not been reported in the literature in individuals with XIAP-related conditions. Loss-of-function variants in XIAP are known to be pathogenic (PMID: 17080092, 21119115, 25666262). For these reasons, this variant has been classified as Pathogenic.

NM_001167.4(XIAP):c.225_226insA (p.Gly76fs)

Gene: XIAP (X-linked inhibitor of apoptosis; plus strand). Cytogenetic location: Xq25.
Variant type: Insertion.
Coding change: c.225_226insA on transcript NM_001167.4 (MANE Select); coding-DNA positions 225 to 226, A inserted.
Protein change: p.Gly76fs; shifts the reading frame from glycine 76.
Molecular consequence: frameshift variant.
Genome position: GRCh38 VCF-style: chrX-123885887-T-TA. GRCh37 (hg19) VCF-style: chrX-123019737-T-TA.
Other names: c.225_226insA, p.Gly76fs (NM_001204401.2, NM_001378590.1, NM_001378591.1 and 1 more transcripts); short protein forms G76fs.
Identifiers: ClinVar variation 936844 (VCV000936844.1), dbSNP rs2053346343, ClinGen allele CA1139667778.